The following is an entry in ClinVar:

ClinVar aggregate classification (germline): Uncertain significance (1 of 4 stars; one submission).

Conditions:
Neurofibromatosis, type 1 (NF1). Also called: Neurofibromatosis, type I; NEUROFIBROMATOSIS, TYPE I, SOMATIC; Peripheral type neurofibromatosis; VON RECKLINGHAUSEN DISEASE. Identifiers: Orphanet 636, MedGen C0027831, MONDO:0018975, OMIM 162200. Disease mechanism: loss of function.

Submission:

Labcorp Genetics (formerly Invitae), Labcorp
Classification: Uncertain significance for Neurofibromatosis, type 1. Last evaluated: 2023-06-25. Review status: criteria provided, single submitter. Criteria: Invitae Variant Classification Sherloc (09022015). Collection method: clinical testing. Allele origin: germline.
Comment: In summary, the available evidence is currently insufficient to determine the role of this variant in disease. Therefore, it has been classified as a Variant of Uncertain Significance. Advanced modeling of protein sequence and biophysical properties (such as structural, functional, and spatial information, amino acid conservation, physicochemical variation, residue mobility, and thermodynamic stability) performed at Invitae indicates that this missense variant is expected to disrupt NF1 protein function. This variant has not been reported in the literature in individuals affected with NF1-related conditions. This variant is not present in population databases (gnomAD no frequency). This sequence change replaces glutamine, which is neutral and polar, with arginine, which is basic and polar, at codon 576 of the NF1 protein (p.Gln576Arg).

NM_001042492.3(NF1):c.1727A>G (p.Gln576Arg)

Gene: NF1 (neurofibromin 1; plus strand). Cytogenetic location: 17q11.2.
Variant type: single nucleotide variant.
Coding change: c.1727A>G on transcript NM_001042492.3 (MANE Select); coding-DNA position 1727, A replaced by G.
Protein change: p.Gln576Arg; replaces glutamine 576 with arginine.
Molecular consequence: missense variant.
Genome position (GRCh38, 1-based): chr17:31,223,449, A>G. VCF-style: chr17-31223449-A-G. GRCh37 (hg19) VCF-style: chr17-29550467-A-G.
Other names: c.1727A>G, p.Gln576Arg (NM_000267.4); short protein forms Q576R.
Identifiers: ClinVar variation 2728344 (VCV002728344.3), dbSNP rs2508124558, ClinGen allele CA399003972.
Genomic context (GRCh38, chr17:31,223,449, plus strand): 5'-TATCTGCATTAGGTTATTGATGATGCTAGTAACAATGAACTTTATGTTACTGCAGCTCAC[A>G]AATGCTTTTTTACATCTGCAAGAAATTAACTAGTCATCAAATGCTTAGTAGCACAGAAAT-3'
Protein context (NP_001035957.1, residues 566-586): PVETFWEISS[Gln576Arg]MLFYICKKLT